The following is an entry in ClinVar:

ClinVar aggregate classification (germline): Uncertain significance. Review status: criteria provided, multiple submitters, no conflicts (2 of 4 stars). 2 submissions from 2 submitters: Uncertain significance (2). Last evaluated 2022-09-24.

Allele frequency attached by ClinVar (database versions not stated): gnomAD 0.00001.
gnomAD v4.1: 1 of 1,614,012 alleles (0.000062%); highest among the groups gnomAD compares: African/African-American, 0.0013%; no homozygotes.

Submissions (2):

Labcorp Genetics (formerly Invitae), Labcorp
Classification: Uncertain significance. Last evaluated: 2022-09-24. Review status: criteria provided, single submitter. Criteria: Invitae Variant Classification Sherloc (09022015). Collection method: clinical testing. Allele origin: germline.
Comment: This sequence change replaces proline, which is neutral and non-polar, with alanine, which is neutral and non-polar, at codon 272 of the HSPG2 protein (p.Pro272Ala). This variant is not present in population databases (gnomAD no frequency). This variant has not been reported in the literature in individuals affected with HSPG2-related conditions. Algorithms developed to predict the effect of missense changes on protein structure and function output the following: SIFT: "Tolerated"; PolyPhen-2: "Benign"; Align-GVGD: "Class C0". The alanine amino acid residue is found in multiple mammalian species, which suggests that this missense change does not adversely affect protein function. In summary, the available evidence is currently insufficient to determine the role of this variant in disease. Therefore, it has been classified as a Variant of Uncertain Significance.

Revvity Omics, Revvity
Classification: Uncertain significance. Last evaluated: 2019-04-26. Review status: criteria provided, single submitter. Criteria: ACMG Guidelines, 2015. Collection method: clinical testing. Allele origin: germline.

NM_005529.7(HSPG2):c.814C>G (p.Pro272Ala)

Gene: HSPG2 (heparan sulfate proteoglycan 2; minus strand). Cytogenetic location: 1p36.12.
Variant type: single nucleotide variant.
Coding change: c.814C>G on transcript NM_005529.7 (MANE Select); coding-DNA position 814, C replaced by G.
Protein change: p.Pro272Ala; replaces proline 272 with alanine.
Molecular consequence: missense variant.
Genome position (GRCh38, 1-based): chr1:21,887,564, G>C on the plus strand (C>G on the coding strand, the complement: HSPG2 is on the minus strand). VCF-style: chr1-21887564-G-C. GRCh37 (hg19) VCF-style: chr1-22214057-G-C.
Other names: c.814C>G (NM_005529.5); c.814C>G, p.Pro272Ala (NM_001291860.2); short protein forms P272A.
Identifiers: ClinVar variation 1932121 (VCV001932121.5), dbSNP rs1642003191, ClinGen allele CA338969537.